The following is an entry in ClinVar:

NM_003849.4(SUCLG1):c.589+16A>G

Gene: SUCLG1 (succinate-CoA ligase GDP/ADP-forming subunit alpha; minus strand). Cytogenetic location: 2p11.2.
Variant type: single nucleotide variant.
Coding change: c.589+16A>G on transcript NM_003849.4 (MANE Select); 16 bases into the intron after coding-DNA position 589, A replaced by G.
Molecular consequence: intron variant.
Genome position (GRCh38, 1-based): chr2:84,441,031, T>C on the plus strand (A>G on the coding strand, the complement: SUCLG1 is on the minus strand). VCF-style: chr2-84441031-T-C. GRCh37 (hg19) VCF-style: chr2-84668155-T-C.
Other names: p.?.
Identifiers: ClinVar variation 139370 (VCV000139370.13), dbSNP rs115384987, ClinGen allele CA293818.

ClinVar aggregate classification (germline): Benign. Review status: criteria provided, multiple submitters, no conflicts (2 of 4 stars). 4 submissions from 4 submitters: Benign (4). Last evaluated 2026-02-02.

Conditions:
Mitochondrial DNA depletion syndrome 9 (MTDPS9). Also called: SUCLG1-Related Mitochondrial DNA Depletion Syndrome, Encephalomyopathic Form with Methylmalonic Aciduria. Identifiers: Orphanet 17, MedGen C3151476, MONDO:0009504, OMIM 245400.

Allele frequency attached by ClinVar (database versions not stated): 1000 Genomes Project 0.01358; 1000 Genomes Project 30x 0.01421; TOPMed 0.03650; gnomAD exomes 0.03930 and 0.05717; ExAC 0.04039; gnomAD 0.04040 and 0.04250; ESP Exome Variant Server 0.04613.
gnomAD v4.1: 88,959 of 1,612,592 alleles (5.5%); highest among the groups gnomAD compares: Non-Finnish European, 6.7%; 3,003 homozygotes.

Submissions (4):

Labcorp Genetics (formerly Invitae), Labcorp
Classification: Benign for Mitochondrial DNA depletion syndrome 9. Last evaluated: 2026-02-02. Review status: criteria provided, single submitter. Criteria: Invitae Variant Classification Sherloc (09022015). Collection method: clinical testing. Allele origin: germline.

Mayo Clinic Laboratories, Mayo Clinic
Classification: Benign. Last evaluated: 2021-04-07. Review status: criteria provided, single submitter. Criteria: ACMG Guidelines, 2015. Collection method: clinical testing. Allele origin: germline. Observed: 8 variant alleles.

GeneDx
Classification: Benign. Last evaluated: 2011-10-19. Review status: criteria provided, single submitter. Criteria: GeneDx Variant Classification (06012015). Collection method: clinical testing. Allele origin: germline. Affected: yes.
Comment: This variant is considered likely benign or benign based on one or more of the following criteria: it is a conservative change, it occurs at a poorly conserved position in the protein, it is predicted to be benign by multiple in silico algorithms, and/or has population frequency not consistent with disease.

Breakthrough Genomics
Classification: Benign. Review status: criteria provided, single submitter. Criteria: ACMG Guidelines, 2015. Collection method: not provided. Allele origin: germline. Inheritance: Autosomal recessive inheritance. Affected: yes.